The following is an entry in ClinVar:

NM_012208.4(HARS2):c.259C>T (p.Arg87Cys)

Gene: HARS2 (histidyl-tRNA synthetase 2, mitochondrial; plus strand). Cytogenetic location: 5q31.3.
Variant type: single nucleotide variant.
Coding change: c.259C>T on transcript NM_012208.4 (MANE Select); coding-DNA position 259, C replaced by T.
Protein change: p.Arg87Cys; replaces arginine 87 with cysteine.
Molecular consequence: missense variant.
Genome position (GRCh38, 1-based): chr5:140,694,010, C>T. VCF-style: chr5-140694010-C-T. GRCh37 (hg19) VCF-style: chr5-140073595-C-T.
Other names: c.184C>T, p.Arg62Cys (NM_001278731.2); c.49C>T, p.Arg17Cys (NM_001278732.2, NM_001363536.2); c.277C>T, p.Arg93Cys (NM_001363535.2); short protein forms R87C, R17C, R93C, R62C.
Identifiers: ClinVar variation 633640 (VCV000633640.3), dbSNP rs754069818, ClinGen allele CA3444350.

ClinVar aggregate classification (germline): Likely pathogenic (0 of 4 stars; one submission).

Conditions:
Perrault syndrome 2 (PRLTS2). Identifiers: Orphanet 2855, Orphanet 642976, MedGen C3554105, MONDO:0013972, OMIM 614926.

Allele frequency attached by ClinVar (database versions not stated): gnomAD exomes 0.00001; TOPMed 0.00001; ExAC 0.00002; gnomAD 0.00001.

Submission:

Department of Clinical Genetics, Copenhagen University Hospital, Rigshospitalet
Classification: Likely pathogenic for Perrault syndrome 2. Last evaluated: 2019-05-20. Review status: no assertion criteria provided. Collection method: clinical testing. Allele origin: maternal. Affected: yes.